The following is an entry in ClinVar:

NM_000352.6(ABCC8):c.4021C>T (p.Gln1341Ter)

Gene: ABCC8 (ATP binding cassette subfamily C member 8; minus strand). Cytogenetic location: 11p15.1.
Variant type: single nucleotide variant.
Coding change: c.4021C>T on transcript NM_000352.6 (MANE Select); coding-DNA position 4021, C replaced by T.
Protein change: p.Gln1341Ter; replaces glutamine 1341 with a stop codon.
Molecular consequence: nonsense. On other transcripts: non-coding transcript variant (1).
Genome position (GRCh38, 1-based): chr11:17,397,014, G>A on the plus strand (C>T on the coding strand, the complement: ABCC8 is on the minus strand). VCF-style: chr11-17397014-G-A. GRCh37 (hg19) VCF-style: chr11-17418561-G-A.
Other names: c.4021C>T (NM_000352.4, NM_000352.5); c.4024C>T, p.Gln1342Ter (NM_001287174.3); c.4087C>T, p.Gln1363Ter (NM_001351295.2); c.4021C>T, p.Gln1341Ter (NM_001351296.2); c.4018C>T, p.Gln1340Ter (NM_001351297.2); short protein forms Q1341*, Q1342*, Q1340*, Q1363*.
Identifiers: ClinVar variation 370722 (VCV000370722.10), dbSNP rs1057516718, ClinGen allele CA16041439.

ClinVar aggregate classification (germline): Conflicting classifications of pathogenicity. Review status: criteria provided, conflicting classifications (1 of 4 stars). 7 submissions from 6 submitters: Pathogenic (4); Uncertain significance (2). 1 of the submissions does not count toward it. Last evaluated 2025-06-16.

Conditions:
Hereditary hyperinsulinism.
Hyperinsulinemic hypoglycemia, familial, 1 (HHF1). Also called: HYPERINSULINISM, FAMILIAL, WITH PANCREATIC NESIDIOBLASTOSIS; HYPOGLYCEMIA, HYPERINSULINEMIC, OF INFANCY; NESIDIOBLASTOSIS OF PANCREAS; Persistent hyperinsulinemic hypoglycemia of infancy; Persistent Hyperinsulinemia Hypoglycemia of Infancy. Identifiers: Orphanet 276575, Orphanet 276598, MedGen C2931832, MONDO:0009734, OMIM 256450.
Transitory neonatal diabetes mellitus. Also called: Transient neonatal diabetes mellitus. Identifiers: MedGen C0342273, MONDO:0020525, HP:0008255.
Maturity-onset diabetes of the young (MODY). Also called: Maturity onset diabetes mellitus in young. Identifiers: Orphanet 552, MedGen C0342276, MONDO:0018911, HP:0004904.
Type 2 diabetes mellitus. Also called: Type II diabetes mellitus. Identifiers: MedGen C0011860, MeSH D003924, MONDO:0005148, OMIM 125853, HP:0005978.

Allele frequency attached by ClinVar (database versions not stated): gnomAD exomes below 0.00001.
gnomAD v4.1: 1 of 1,614,210 alleles (0.000062%); highest among the groups gnomAD compares: Non-Finnish European, 0.000085%; no homozygotes.

Submissions (7):

Natera, Inc.
Classification: Pathogenic for Hereditary hyperinsulinism. Last evaluated: 2025-06-16. Review status: criteria provided, single submitter. Criteria: Natera Variant Classification Schema (03/2026). Collection method: clinical testing. Allele origin: germline.
Comment: The c.4021C>T variant in ABCC8 is a nonsense variant predicted to introduce a stop codon at amino acid 1341. This variant is expected to result in nonsense mediated decay, truncation, or a dysfunctional protein product. This variant is rare in the general population with a frequency below the threshold expected for the associated phenotype(s). This variant has been observed in one or more individuals affected with the associated recessive disease, as either homozygous or compound heterozygous with a second variant (PMID: 23345197). Given the available evidence, this variant is classified as Pathogenic.

Genomic Medicine Center of Excellence, King Faisal Specialist Hospital and Research Centre
Classification: Pathogenic for Hyperinsulinemic hypoglycemia, familial, 1. Last evaluated: 2024-03-25. Review status: criteria provided, single submitter. Criteria: ACMG Guidelines, 2015. Collection method: clinical testing. Allele origin: germline.

Baylor Genetics
Classification: Pathogenic for Type 2 diabetes mellitus. Last evaluated: 2023-08-23. Review status: criteria provided, single submitter. Criteria: ACMG Guidelines, 2015. Collection method: clinical testing. Allele origin: unknown.

Labcorp Genetics (formerly Invitae), Labcorp
Classification: Pathogenic. Last evaluated: 2023-08-19. Review status: criteria provided, single submitter. Criteria: Invitae Variant Classification Sherloc (09022015). Collection method: clinical testing. Allele origin: germline.
Comment: This variant is not present in population databases (gnomAD no frequency). For these reasons, this variant has been classified as Pathogenic. ClinVar contains an entry for this variant (Variation ID: 370722). This variant is also known as c.4024C>T (p.Gln1342X). This premature translational stop signal has been observed in individual(s) with autosomal recessive diffuse or focal hyperinsulinism (PMID: 23345197, 24401662). This sequence change creates a premature translational stop signal (p.Gln1341*) in the ABCC8 gene. It is expected to result in an absent or disrupted protein product. Loss-of-function variants in ABCC8 are known to be pathogenic (PMID: 20685672, 23345197).

Clinical Genomics, Uppaluri K&H Personalized Medicine Clinic
Classification: Uncertain significance for Maturity-onset diabetes of the young. Review status: criteria provided, single submitter. Criteria: K & H Uppaluri Personalized Medicine Clinic Variant Classification & Assertion Criteria_Updated V.1. Collection method: research. Allele origin: somatic. Inheritance: Somatic mutation.
Comment: Mutations in ABCC8 gene are associated with both neonatal diabetes mellitus as well as MODY. Patients with this mutation may have a better response to sulfonylureas. However, no sufficient evidence is found to ascertain the role of this particular variant (rs1057516718) in MODY yet.

Clinical Genomics, Uppaluri K&H Personalized Medicine Clinic
Classification: Uncertain significance for Transitory neonatal diabetes mellitus. Review status: criteria provided, single submitter. Criteria: K & H Uppaluri Personalized Medicine Clinic Variant Classification & Assertion Criteria_Updated V.1. Collection method: research. Allele origin: somatic. Inheritance: Somatic mutation.
Comment: Mutations in ABCC8 gene are associated with both neonatal diabetes mellitus as well as MODY. Patients with this mutation may have a better response to sulfonylureas. However, no sufficient evidence is found to ascertain the role of this particular variant (rs1057516718) in neonatal diabetes yet.

Counsyl
Classification: Likely pathogenic for Hyperinsulinemic hypoglycemia, familial, 1. Last evaluated: 2016-03-30. Review status: no assertion criteria provided. Collection method: clinical testing. Allele origin: unknown. Not counted in ClinVar's aggregate classification.

Literature cited by the submitters: PubMed 23345197 (cited by 3 submitters); PubMed 24401662 (cited by Labcorp Genetics (formerly Invitae), Labcorp and Counsyl); PubMed 20685672 (cited by Labcorp Genetics (formerly Invitae), Labcorp); PubMed 16885549 (cited by Clinical Genomics, Uppaluri K&H Personalized Medicine Clinic); PubMed 21989597 (cited by Clinical Genomics, Uppaluri K&H Personalized Medicine Clinic); PubMed 27538677 (cited by Clinical Genomics, Uppaluri K&H Personalized Medicine Clinic); PubMed 18981553 (cited by Clinical Genomics, Uppaluri K&H Personalized Medicine Clinic); PubMed 32027066 (cited by Clinical Genomics, Uppaluri K&H Personalized Medicine Clinic); PubMed 16613899 (cited by Clinical Genomics, Uppaluri K&H Personalized Medicine Clinic); PubMed 18025408 (cited by Clinical Genomics, Uppaluri K&H Personalized Medicine Clinic); PubMed 32792356 (cited by Clinical Genomics, Uppaluri K&H Personalized Medicine Clinic).